The following is an entry in ClinVar:

ClinVar aggregate classification (germline): Benign/Likely benign. Review status: criteria provided, multiple submitters, no conflicts (2 of 4 stars). 3 submissions from 3 submitters: Benign (1); Likely benign (2). Last evaluated 2024-12-23.

Conditions:
Hereditary cancer-predisposing syndrome. Also called: Hereditary Cancer Syndrome; Neoplastic Syndromes, Hereditary; Tumor predisposition; Hereditary neoplastic syndrome. Identifiers: Orphanet 140162, MedGen C0027672, MeSH D009386, MONDO:0015356.
Lynch syndrome 5 (LYNCH5). Also called: Colorectal cancer, hereditary nonpolyposis, type 5; Hereditary non-polyposis colorectal cancer, type 5. Identifiers: Orphanet 144, MedGen C1833477, MONDO:0013710, OMIM 614350. Disease mechanism: loss of function.
Hereditary nonpolyposis colorectal neoplasms. Identifiers: MedGen C0009405, MeSH D003123.

Submissions (3):

Myriad Genetics, Inc.
Classification: Benign for Lynch syndrome 5. Last evaluated: 2024-12-23. Review status: criteria provided, single submitter. Criteria: Myriad Autosomal Dominant, Autosomal Recessive and X-Linked Classification Criteria (2023). Collection method: clinical testing. Allele origin: unknown.
Comment: This variant is considered benign. This variant is a silent/synonymous amino acid change and it is not expected to impact splicing.

Labcorp Genetics (formerly Invitae), Labcorp
Classification: Likely benign for Hereditary nonpolyposis colorectal neoplasms. Last evaluated: 2023-11-07. Review status: criteria provided, single submitter. Criteria: Invitae Variant Classification Sherloc (09022015). Collection method: clinical testing. Allele origin: germline.

Ambry Genetics
Classification: Likely benign for Hereditary cancer-predisposing syndrome. Last evaluated: 2020-09-19. Review status: criteria provided, single submitter. Criteria: Ambry Variant Classification Scheme 2023. Collection method: clinical testing. Allele origin: germline.

NM_000179.3(MSH6):c.1146C>T (p.His382=)

Gene: MSH6 (mutS homolog 6; plus strand). Cytogenetic location: 2p16.3.
Variant type: single nucleotide variant.
Coding change: c.1146C>T on transcript NM_000179.3 (MANE Select); coding-DNA position 1146, C replaced by T.
Protein change: p.His382=; no amino-acid change (histidine 382 retained).
Molecular consequence: synonymous variant.
Genome position (GRCh38, 1-based): chr2:47,799,129, C>T. VCF-style: chr2-47799129-C-T. GRCh37 (hg19) VCF-style: chr2-48026268-C-T.
Other names: c.756C>T, p.His252= (NM_001281492.2); c.240C>T, p.His80= (NM_001281493.2, NM_001281494.2).
Identifiers: ClinVar variation 1534218 (VCV001534218.11), dbSNP rs1572721856, ClinGen allele CA426121072.